The following is an entry in ClinVar:

ClinVar aggregate classification (germline): Conflicting classifications of pathogenicity. Review status: criteria provided, conflicting classifications (1 of 4 stars). 6 submissions from 6 submitters: Uncertain significance (4); Likely benign (2). Last evaluated 2026-01-01.

Conditions:
Renal cell carcinoma. Identifiers: Orphanet 217071, MedGen C0007134, MeSH D002292, MONDO:0005086, HP:0005584.
Autosomal recessive nonsyndromic hearing loss 97. Also called: Deafness, autosomal recessive 97. Identifiers: Orphanet 90636, MedGen C4084709, MONDO:0014739, OMIM 616705.
Hereditary cancer-predisposing syndrome. Also called: Neoplastic Syndromes, Hereditary; Tumor predisposition; Hereditary Cancer Syndrome; Hereditary neoplastic syndrome. Identifiers: Orphanet 140162, MedGen C0027672, MeSH D009386, MONDO:0015356.

Allele frequency attached by ClinVar (database versions not stated): gnomAD 0.00004; TOPMed 0.00004; gnomAD exomes 0.00001 and 0.00002; ExAC 0.00002.
gnomAD v4.1: 24 of 1,613,874 alleles (0.0015%); highest among the groups gnomAD compares: Middle Eastern, 0.016%; no homozygotes.

Submissions (6):

Labcorp Genetics (formerly Invitae), Labcorp
Classification: Likely benign for Renal cell carcinoma. Last evaluated: 2026-01-01. Review status: criteria provided, single submitter. Criteria: Invitae Variant Classification Sherloc (09022015). Collection method: clinical testing. Allele origin: germline.

Center for Genomic Medicine, Rigshospitalet, Copenhagen University Hospital
Classification: Uncertain significance. Last evaluated: 2025-03-04. Review status: criteria provided, single submitter. Criteria: ACMG Guidelines, 2015. Collection method: clinical testing. Allele origin: germline.

Ambry Genetics
Classification: Likely benign for Hereditary cancer-predisposing syndrome. Last evaluated: 2025-01-20. Review status: criteria provided, single submitter. Criteria: Ambry Variant Classification Scheme 2023. Collection method: clinical testing. Allele origin: germline.

GeneDx
Classification: Uncertain significance. Last evaluated: 2024-11-14. Review status: criteria provided, single submitter. Criteria: GeneDx Variant Classification Process June 2021. Collection method: clinical testing. Allele origin: germline. Affected: yes.
Comment: In silico analysis indicates that this missense variant does not alter protein structure/function; Has not been previously published as pathogenic or benign to our knowledge

Baylor Genetics
Classification: Uncertain significance for Autosomal recessive nonsyndromic hearing loss 97. Last evaluated: 2024-02-29. Review status: criteria provided, single submitter. Criteria: ACMG Guidelines, 2015. Collection method: clinical testing. Allele origin: unknown.

Institute for Clinical Genetics, University Hospital TU Dresden, University Hospital TU Dresden
Classification: Uncertain significance. Last evaluated: 2021-11-03. Review status: criteria provided, single submitter. Criteria: ACMG Guidelines, 2015. Collection method: clinical testing. Allele origin: germline.

NM_000245.4(MET):c.1984A>G (p.Ile662Val)

Gene: MET (MET proto-oncogene, receptor tyrosine kinase; plus strand). Cytogenetic location: 7q31.2.
Variant type: single nucleotide variant.
Coding change: c.1984A>G on transcript NM_000245.4 (MANE Select); coding-DNA position 1984, A replaced by G.
Protein change: p.Ile662Val; replaces isoleucine 662 with valine.
Molecular consequence: missense variant.
Genome position (GRCh38, 1-based): chr7:116,757,656, A>G. VCF-style: chr7-116757656-A-G. GRCh37 (hg19) VCF-style: chr7-116397710-A-G.
Other names: c.1984A>G, p.Ile662Val (NM_001127500.3, NM_001324401.3); c.694A>G, p.Ile232Val (NM_001324402.2); short protein forms I662V, I232V.
Identifiers: ClinVar variation 188285 (VCV000188285.23), dbSNP rs765244598, ClinGen allele CA334523.